The following is an entry in ClinVar:

ClinVar aggregate classification (germline): Uncertain significance (1 of 4 stars; one submission).

Conditions:
Cornelia de Lange syndrome 1 (CDLS1). Also called: TYPUS DEGENERATIVUS AMSTELODAMENSIS; Brachmann de Lange syndrome; NIPBL-Related Cornelia de Lange Syndrome. Identifiers: Orphanet 199, MedGen C4551851, MONDO:0007387, OMIM 122470.

Submission:

Labcorp Genetics (formerly Invitae), Labcorp
Classification: Uncertain significance for Cornelia de Lange syndrome 1. Last evaluated: 2025-06-12. Review status: criteria provided, single submitter. Criteria: Invitae Variant Classification Sherloc (09022015). Collection method: clinical testing. Allele origin: germline.
Comment: This sequence change replaces histidine, which is basic and polar, with glutamine, which is neutral and polar, at codon 1705 of the NIPBL protein (p.His1705Gln). This variant is not present in population databases (gnomAD no frequency). This variant has not been reported in the literature in individuals affected with NIPBL-related conditions. Invitae Evidence Modeling of protein sequence and biophysical properties (such as structural, functional, and spatial information, amino acid conservation, physicochemical variation, residue mobility, and thermodynamic stability) indicates that this missense variant is not expected to disrupt NIPBL protein function with a negative predictive value of 95%. In summary, the available evidence is currently insufficient to determine the role of this variant in disease. Therefore, it has been classified as a Variant of Uncertain Significance.

NM_133433.4(NIPBL):c.5115T>G (p.His1705Gln)

Gene: NIPBL (NIPBL cohesin loading factor; plus strand). Cytogenetic location: 5p13.2.
Variant type: single nucleotide variant.
Coding change: c.5115T>G on transcript NM_133433.4 (MANE Select); coding-DNA position 5115, T replaced by G.
Protein change: p.His1705Gln; replaces histidine 1705 with glutamine.
Molecular consequence: missense variant.
Genome position (GRCh38, 1-based): chr5:37,020,563, T>G. VCF-style: chr5-37020563-T-G. GRCh37 (hg19) VCF-style: chr5-37020665-T-G.
Other names: c.5115T>G, p.His1705Gln (NM_001438586.1, NM_015384.5); short protein forms H1705Q.
Identifiers: ClinVar variation 4761912 (VCV004761912.1).